The following is an entry in ClinVar:

ClinVar aggregate classification (germline): Likely benign. Review status: criteria provided, multiple submitters, no conflicts (2 of 4 stars). 3 submissions from 3 submitters: Likely benign (3). Last evaluated 2025-11-25.

Conditions:
PEX1-related disorder. Also called: PEX1-related condition.
Zellweger spectrum disorders (ZS). Also called: Zellweger Spectrum Disorder; Zellweger Spectrum; Zellweger syndrome; Zellweger Spectrum Disorder (ZSD). Identifiers: Orphanet 912, MedGen C0043459, MONDO:0019609.

Allele frequency attached by ClinVar (database versions not stated): gnomAD exomes 0.00001 and 0.00002; ExAC 0.00002; gnomAD 0.00003 and 0.00004; ESP Exome Variant Server 0.00015.
gnomAD v4.1: 20 of 1,613,998 alleles (0.0012%); highest among the groups gnomAD compares: African/African-American, 0.0093%; no homozygotes.

Submissions (3):

Labcorp Genetics (formerly Invitae), Labcorp
Classification: Likely benign for Zellweger spectrum disorders. Last evaluated: 2025-11-25. Review status: criteria provided, single submitter. Criteria: Invitae Variant Classification Sherloc (09022015). Collection method: clinical testing. Allele origin: germline.

PreventionGenetics, part of Exact Sciences
Classification: Likely benign for PEX1-related condition. Last evaluated: 2025-03-24. Review status: criteria provided, single submitter. Criteria: ACMG Guidelines, 2015. Collection method: clinical testing. Allele origin: germline.
Comment: This variant is classified as likely benign based on ACMG/AMP sequence variant interpretation guidelines (Richards et al. 2015 PMID: 25741868, with internal and published modifications).

Blueprint Genetics
Classification: Likely benign. Last evaluated: 2021-12-07. Review status: criteria provided, single submitter. Criteria: ACMG Guidelines, 2015. Collection method: clinical testing. Allele origin: germline.

NM_000466.3(PEX1):c.2046G>A (p.Ala682=)

Gene: PEX1 (peroxisomal biogenesis factor 1; minus strand). Cytogenetic location: 7q21.2.
Variant type: single nucleotide variant.
Coding change: c.2046G>A on transcript NM_000466.3 (MANE Select); coding-DNA position 2046, G replaced by A.
Protein change: p.Ala682=; no amino-acid change (alanine 682 retained).
Molecular consequence: synonymous variant. On other transcripts: intron variant (1).
Genome position (GRCh38, 1-based): chr7:92,504,757, C>T on the plus strand (G>A on the coding strand, the complement: PEX1 is on the minus strand). VCF-style: chr7-92504757-C-T. GRCh37 (hg19) VCF-style: chr7-92134071-C-T.
Other names: c.2046G>A (NM_000466.2); c.1422G>A, p.Ala474= (NM_001282678.2); c.1900+1491G>A (NM_001282677.2).
Identifiers: ClinVar variation 1088104 (VCV001088104.11), dbSNP rs144845259, ClinGen allele CA4341231.